The following is an entry in ClinVar:

ClinVar aggregate classification (germline): Uncertain significance (1 of 4 stars; one submission).

Allele frequency attached by ClinVar (database versions not stated): ESP Exome Variant Server 0.00008.
gnomAD v4.1: 7 of 1,611,754 alleles (0.00043%); highest among the groups gnomAD compares: African/African-American, 0.0094%; no homozygotes.

Submission:

Labcorp Genetics (formerly Invitae), Labcorp
Classification: Uncertain significance. Last evaluated: 2024-10-16. Review status: criteria provided, single submitter. Criteria: Invitae Variant Classification Sherloc (09022015). Collection method: clinical testing. Allele origin: germline.
Comment: This sequence change replaces proline, which is neutral and non-polar, with arginine, which is basic and polar, at codon 362 of the COL9A1 protein (p.Pro362Arg). This variant is present in population databases (rs374255811, gnomAD 0.01%). This variant has not been reported in the literature in individuals affected with COL9A1-related conditions. ClinVar contains an entry for this variant (Variation ID: 1501367). Invitae Evidence Modeling of protein sequence and biophysical properties (such as structural, functional, and spatial information, amino acid conservation, physicochemical variation, residue mobility, and thermodynamic stability) indicates that this missense variant is not expected to disrupt COL9A1 protein function with a negative predictive value of 95%. In summary, the available evidence is currently insufficient to determine the role of this variant in disease. Therefore, it has been classified as a Variant of Uncertain Significance.

NM_001851.6(COL9A1):c.1085C>G (p.Pro362Arg)

Gene: COL9A1 (collagen type IX alpha 1 chain; minus strand). Cytogenetic location: 6q13.
Variant type: single nucleotide variant.
Coding change: c.1085C>G on transcript NM_001851.6 (MANE Select); coding-DNA position 1085, C replaced by G.
Protein change: p.Pro362Arg; replaces proline 362 with arginine.
Molecular consequence: missense variant. On other transcripts: non-coding transcript variant (1).
Genome position (GRCh38, 1-based): chr6:70,272,069, G>C on the plus strand (C>G on the coding strand, the complement: COL9A1 is on the minus strand). VCF-style: chr6-70272069-G-C. GRCh37 (hg19) VCF-style: chr6-70981772-G-C.
Other names: c.356C>G, p.Pro119Arg (NM_001377289.1, NM_001377290.1, NM_078485.4); short protein forms P119R, P362R.
Identifiers: ClinVar variation 1501367 (VCV001501367.6), dbSNP rs374255811, ClinGen allele CA3882428.